The following is an entry in ClinVar:

NM_006514.4(SCN10A):c.2471A>T (p.His824Leu)

Gene: SCN10A (sodium voltage-gated channel alpha subunit 10; minus strand). Cytogenetic location: 3p22.2.
Variant type: single nucleotide variant.
Coding change: c.2471A>T on transcript NM_006514.4 (MANE Select); coding-DNA position 2471, A replaced by T.
Protein change: p.His824Leu; replaces histidine 824 with leucine.
Molecular consequence: missense variant.
Genome position (GRCh38, 1-based): chr3:38,728,711, T>A on the plus strand (A>T on the coding strand, the complement: SCN10A is on the minus strand). VCF-style: chr3-38728711-T-A. GRCh37 (hg19) VCF-style: chr3-38770202-T-A.
Other names: c.2471A>T, p.His824Leu (NM_001293306.2); c.2177A>T, p.His726Leu (NM_001293307.2); short protein forms H824L, H726L.
Identifiers: ClinVar variation 3438113 (VCV003438113.1).
Genomic context (GRCh38, chr3:38,728,711, plus strand): 5'-CGGAAGACAATGAGGAAAGAGTGGAAGAAGTCGTGCATGTGCCAGCGGGGCCAGTCTTCA[T>A]GGGGCGCGGAGATATTTTTTCGGTTGTTACGGTAGTTTTCCCCTAGGAGCTGCTTGCCAA-3'
Protein context (NP_006505.4, residues 814-834): RNNRKNISAP[His824Leu]EDWPRWHMHD

ClinVar aggregate classification (germline): Uncertain significance (1 of 4 stars; one submission).

Conditions:
Cardiovascular phenotype. Identifiers: MedGen CN230736.

gnomAD v4.1: 1 of 1,614,074 alleles (0.000062%); highest among the groups gnomAD compares: Non-Finnish European, 0.000085%; no homozygotes.

Submission:

Ambry Genetics
Classification: Uncertain significance for Cardiovascular phenotype. Last evaluated: 2024-09-17. Review status: criteria provided, single submitter. Criteria: Ambry Variant Classification Scheme 2023. Collection method: clinical testing. Allele origin: germline.
Comment: The p.H824L variant (also known as c.2471A>T), located in coding exon 15 of the SCN10A gene, results from an A to T substitution at nucleotide position 2471. The histidine at codon 824 is replaced by leucine, an amino acid with similar properties. This amino acid position is conserved. In addition, this alteration is predicted to be tolerated by in silico analysis. Based on the available evidence, the clinical significance of this variant remains unclear.